The following is an entry in ClinVar:

NM_000257.4(MYH7):c.5272_5283+5dup

Genes: MYH7 (myosin heavy chain 7; minus strand), LOC126861897 (BRD4-independent group 4 enhancer GRCh37_chr14:23884455-23885654; plus strand). Cytogenetic location: 14q11.2.
Variant type: Duplication.
Coding change: c.5272_5283+5dup on transcript NM_000257.4 (MANE Select); coding-DNA position 5272 through 5 bases into the intron after coding-DNA position 5283, 17 bases duplicated (GCCATCACGGATGTAAG).
Molecular consequence: splice donor variant.
Genome position (GRCh38, 1-based): chr14:23,415,376-23,415,392, CTTACATCCGTGATGGC duplicated on the plus strand (GCCATCACGGATGTAAG on the coding strand, the reverse complement: MYH7 is on the minus strand); duplicating any 17 consecutive bases within chr14:23,415,376-23,415,395 gives the same sequence; the c. name uses the placement nearest the transcript's 3' end. VCF-style (leftmost placement, unchanged base first): chr14-23415375-A-ACTTACATCCGTGATGGC. GRCh37 (hg19) VCF-style: chr14-23884584-A-ACTTACATCCGTGATGGC.
Other names: c.5272_5283+5dup (NM_001407004.1).
Identifiers: ClinVar variation 5037764 (VCV005037764.1).

ClinVar aggregate classification (germline): VUS-high (1 of 4 stars; one submission).

Conditions:
Dilated cardiomyopathy 1S (CMD1S). Identifiers: Orphanet 154, Orphanet 54260, MedGen C1834481, MONDO:0013262, OMIM 613426.

Submission:

Center for Molecular Medicine, Children’s Hospital of Fudan University
Classification: VUS-high for Dilated cardiomyopathy 1S. Last evaluated: 2025-12-12. Review status: criteria provided, single submitter. Criteria: ACMG Guidelines 2015. Collection method: clinical testing. Allele origin: maternal. Affected: yes.
Comment: PVS1_Moderate+PM2